The following is an entry in ClinVar:

NM_000152.5(GAA):c.1770T>C (p.Ala590=)

Gene: GAA (alpha glucosidase; plus strand). Cytogenetic location: 17q25.3.
Variant type: single nucleotide variant.
Coding change: c.1770T>C on transcript NM_000152.5 (MANE Select); coding-DNA position 1770, T replaced by C.
Protein change: p.Ala590=; no amino-acid change (alanine 590 retained).
Molecular consequence: synonymous variant.
Genome position (GRCh38, 1-based): chr17:80,112,593, T>C. VCF-style: chr17-80112593-T-C. GRCh37 (hg19) VCF-style: chr17-78086392-T-C.
Other names: c.1770T>C, p.Ala590= (NM_001079803.3, NM_001079804.3, NM_001406741.1 and 1 more transcripts).
Identifiers: ClinVar variation 3032870 (VCV003032870.4), dbSNP rs2510381290, ClinGen allele CA502402473.

ClinVar aggregate classification (germline): Likely benign. Review status: criteria provided, single submitter (1 of 4 stars). 2 submissions from 2 submitters: Likely benign (1). 1 of the submissions does not count toward it. Last evaluated 2024-11-27.

Conditions:
GAA-related disorder. Also called: GAA-related condition.
Glycogen storage disease, type II (IOPD). Also called: POMPE DISEASE, INFANTILE-ONSET; GLYCOGEN STORAGE DISEASE II, INFANTILE-ONSET; ACID ALPHA-GLUCOSIDASE DEFICIENCY, INFANTILE-ONSET; GAA DEFICIENCY, INFANTILE-ONSET; ACID MALTASE DEFICIENCY, INFANTILE-ONSET; GLYCOGENOSIS, GENERALIZED, CARDIAC FORM. Identifiers: Orphanet 365, MedGen C0017921, MONDO:0009290, OMIM 232300.

Submissions (2):

Labcorp Genetics (formerly Invitae), Labcorp
Classification: Likely benign for Glycogen storage disease, type II. Last evaluated: 2024-11-27. Review status: criteria provided, single submitter. Criteria: Invitae Variant Classification Sherloc (09022015). Collection method: clinical testing. Allele origin: germline.

PreventionGenetics, part of Exact Sciences
Classification: Likely benign for GAA-related condition. Last evaluated: 2020-10-12. Review status: no assertion criteria provided. Collection method: clinical testing. Allele origin: germline. Not counted in ClinVar's aggregate classification.
Comment: This variant is classified as likely benign based on ACMG/AMP sequence variant interpretation guidelines (Richards et al. 2015 PMID: 25741868, with internal and published modifications).